The following is an entry in ClinVar:

ClinVar aggregate classification (germline): Uncertain significance. Review status: criteria provided, multiple submitters, no conflicts (2 of 4 stars). 2 submissions from 2 submitters: Uncertain significance (2). Last evaluated 2026-05-22.

Conditions:
Left ventricular noncompaction 1 (LVNC1). Also called: LEFT VENTRICULAR NONCOMPACTION 1 WITH OR WITHOUT CONGENITAL HEART DEFECTS. Identifiers: Orphanet 54260, MedGen C1858725, MONDO:0011403, OMIM 604169.
DTNA-related disorder. Also called: DTNA-related condition.

gnomAD v4.1: 1 of 1,614,068 alleles (0.000062%); highest among the groups gnomAD compares: African/African-American, 0.0013%; no homozygotes.

Submissions (2):

PreventionGenetics, part of Exact Sciences
Classification: Uncertain significance for DTNA-related condition. Last evaluated: 2026-05-22. Review status: criteria provided, single submitter. Criteria: ACMG Guidelines, 2015. Collection method: clinical testing. Allele origin: germline.
Comment: The DTNA c.920T>C variant is predicted to result in the amino acid substitution p.Leu307Pro. To our knowledge, this variant has not been reported in the literature or in a large population database (gnomAD), indicating this variant is rare. At this time, the clinical significance of this variant is uncertain due to the absence of conclusive functional and genetic evidence.

Labcorp Genetics (formerly Invitae), Labcorp
Classification: Uncertain significance for Left ventricular noncompaction 1. Last evaluated: 2024-11-22. Review status: criteria provided, single submitter. Criteria: Invitae Variant Classification Sherloc (09022015). Collection method: clinical testing. Allele origin: germline.
Comment: This sequence change replaces leucine, which is neutral and non-polar, with proline, which is neutral and non-polar, at codon 307 of the DTNA protein (p.Leu307Pro). This variant is not present in population databases (gnomAD no frequency). This variant has not been reported in the literature in individuals affected with DTNA-related conditions. Invitae Evidence Modeling of protein sequence and biophysical properties (such as structural, functional, and spatial information, amino acid conservation, physicochemical variation, residue mobility, and thermodynamic stability) indicates that this missense variant is not expected to disrupt DTNA protein function with a negative predictive value of 80%. In summary, the available evidence is currently insufficient to determine the role of this variant in disease. Therefore, it has been classified as a Variant of Uncertain Significance.

NM_001386795.1(DTNA):c.920T>C (p.Leu307Pro)

Gene: DTNA (dystrobrevin alpha; plus strand). Cytogenetic location: 18q12.1.
Variant type: single nucleotide variant.
Coding change: c.920T>C on transcript NM_001386795.1 (MANE Select); coding-DNA position 920, T replaced by C.
Protein change: p.Leu307Pro; replaces leucine 307 with proline.
Molecular consequence: missense variant. On other transcripts: 5 prime UTR variant (4), intron variant (1).
Genome position (GRCh38, 1-based): chr18:34,820,834, T>C. VCF-style: chr18-34820834-T-C. GRCh37 (hg19) VCF-style: chr18-32400798-T-C.
Other names: c.920T>C, p.Leu307Pro (NM_001392.5, NM_032975.4, NM_032978.7 and 34 more transcripts); c.-35T>C (NM_032980.4, NM_032981.5, NM_001198942.1 and 1 more transcripts); c.603+8721T>C (NM_001198945.2); c.920T>C (NM_001390.4); c.170T>C, p.Leu57Pro (NM_001198943.1); short protein forms L307P, L57P.
Identifiers: ClinVar variation 3707007 (VCV003707007.3).